The following is an entry in ClinVar:

NM_177438.3(DICER1):c.4726G>C (p.Glu1576Gln)

Gene: DICER1 (dicer 1, ribonuclease III; minus strand). Cytogenetic location: 14q32.13.
Variant type: single nucleotide variant.
Coding change: c.4726G>C on transcript NM_177438.3 (MANE Select); coding-DNA position 4726, G replaced by C.
Protein change: p.Glu1576Gln; replaces glutamic acid 1576 with glutamine.
Molecular consequence: missense variant. On other transcripts: non-coding transcript variant (6).
Genome position (GRCh38, 1-based): chr14:95,096,194, C>G on the plus strand (G>C on the coding strand, the complement: DICER1 is on the minus strand). VCF-style: chr14-95096194-C-G. GRCh37 (hg19) VCF-style: chr14-95562531-C-G.
Other names: c.4726G>C, p.Glu1576Gln (NM_001195573.1, NM_001271282.3, NM_001291628.2 and 13 more transcripts); c.4444G>C, p.Glu1482Gln (NM_001395686.1); c.4321G>C, p.Glu1441Gln (NM_001395687.1, NM_001395688.1, NM_001395689.1 and 2 more transcripts); c.4159G>C, p.Glu1387Gln (NM_001395691.1); c.3043G>C, p.Glu1015Gln (NM_001395697.1); short protein forms E1387Q, E1482Q, E1576Q, E1015Q, E1441Q.
Identifiers: ClinVar variation 2624760 (VCV002624760.2), dbSNP rs2139844761, ClinGen allele CA390867431.

ClinVar aggregate classification (germline): Uncertain significance (1 of 4 stars; one submission).

Conditions:
Hereditary cancer-predisposing syndrome. Also called: Tumor predisposition; Hereditary Cancer Syndrome; Hereditary neoplastic syndrome; Neoplastic Syndromes, Hereditary. Identifiers: Orphanet 140162, MedGen C0027672, MeSH D009386, MONDO:0015356.

Submission:

Ambry Genetics
Classification: Uncertain significance for Hereditary cancer-predisposing syndrome. Last evaluated: 2023-08-25. Review status: criteria provided, single submitter. Criteria: Ambry Variant Classification Scheme 2023. Collection method: clinical testing. Allele origin: germline.
Comment: The p.E1576Q variant (also known as c.4726G>C), located in coding exon 22 of the DICER1 gene, results from a G to C substitution at nucleotide position 4726. The glutamic acid at codon 1576 is replaced by glutamine, an amino acid with highly similar properties. This amino acid position is conserved. In addition, this alteration is predicted to be deleterious by in silico analysis. Since supporting evidence is limited at this time, the clinical significance of this alteration remains unclear.